The following is an entry in ClinVar:

ClinVar aggregate classification (germline): Uncertain significance. Review status: criteria provided, multiple submitters, no conflicts (2 of 4 stars). 4 submissions from 4 submitters: Uncertain significance (3). 1 of the submissions does not count toward it. Last evaluated 2025-11-12.

Conditions:
Atypical coarctation of aorta. Also called: Midaortic syndrome. Identifiers: Orphanet 1456, MedGen C3496579, MONDO:0015446.
Cardiovascular phenotype. Identifiers: MedGen CN230736.
Hereditary cancer-predisposing syndrome. Also called: Tumor predisposition; Hereditary Cancer Syndrome; Hereditary neoplastic syndrome; Neoplastic Syndromes, Hereditary. Identifiers: Orphanet 140162, MedGen C0027672, MeSH D009386, MONDO:0015356.
Neurofibromatosis, type 1 (NF1). Also called: VON RECKLINGHAUSEN DISEASE; NEUROFIBROMATOSIS, TYPE I, SOMATIC; Peripheral type neurofibromatosis; Neurofibromatosis, type I. Identifiers: Orphanet 636, MedGen C0027831, MONDO:0018975, OMIM 162200. Disease mechanism: loss of function.

Allele frequency attached by ClinVar (database versions not stated): gnomAD exomes below 0.00001; TOPMed below 0.00001.
gnomAD v4.1: 1 of 1,612,440 alleles (0.000062%); highest among the groups gnomAD compares: Admixed American, 0.0017%; no homozygotes.

Submissions (4):

Labcorp Genetics (formerly Invitae), Labcorp
Classification: Uncertain significance for Neurofibromatosis, type 1. Last evaluated: 2025-11-12. Review status: criteria provided, single submitter. Criteria: Invitae Variant Classification Sherloc (09022015). Collection method: clinical testing. Allele origin: germline.
Comment: This sequence change replaces alanine, which is neutral and non-polar, with proline, which is neutral and non-polar, at codon 1722 of the NF1 protein (p.Ala1722Pro). This variant is present in population databases (no rsID available, gnomAD 0.003%). This missense change has been observed in individual(s) with midaortic syndrome (PMID: 29483232). ClinVar contains an entry for this variant (Variation ID: 237573). Invitae Evidence Modeling of protein sequence and biophysical properties (such as structural, functional, and spatial information, amino acid conservation, physicochemical variation, residue mobility, and thermodynamic stability) indicates that this missense variant is expected to disrupt NF1 protein function with a positive predictive value of 95%. In summary, the available evidence is currently insufficient to determine the role of this variant in disease. Therefore, it has been classified as a Variant of Uncertain Significance.

Ambry Genetics
Classification: Uncertain significance for Cardiovascular phenotype; Hereditary cancer-predisposing syndrome. Last evaluated: 2023-02-28. Review status: criteria provided, single submitter. Criteria: Ambry Variant Classification Scheme 2023. Collection method: clinical testing. Allele origin: germline.
Comment: The p.A1722P variant (also known as c.5164G>C), located in coding exon 36 of the NF1 gene, results from a G to C substitution at nucleotide position 5164. The alanine at codon 1722 is replaced by proline, an amino acid with highly similar properties. This amino acid position is highly conserved in available vertebrate species. In addition, the in silico prediction for this alteration is inconclusive. Since supporting evidence is limited at this time, the clinical significance of this alteration remains unclear.

Genome-Nilou Lab
Classification: Uncertain significance for Neurofibromatosis, type 1. Last evaluated: 2022-03-15. Review status: criteria provided, single submitter. Criteria: ACMG Guidelines, 2015. Collection method: clinical testing. Allele origin: germline. Affected: no.

Yale Center for Mendelian Genomics, Yale University
Classification: Likely pathogenic for Midaortic syndrome. Last evaluated: 2018-02-26. Review status: no assertion criteria provided. Collection method: literature only. Allele origin: germline. Affected: yes. Observed: 1 heterozygote. Not counted in ClinVar's aggregate classification.

Literature cited by the submitters: PubMed 29483232 (cited by Labcorp Genetics (formerly Invitae), Labcorp and Yale Center for Mendelian Genomics, Yale University).

NM_001042492.3(NF1):c.5227G>C (p.Ala1743Pro)

Gene: NF1 (neurofibromin 1; plus strand). Cytogenetic location: 17q11.2.
Variant type: single nucleotide variant.
Coding change: c.5227G>C on transcript NM_001042492.3 (MANE Select); coding-DNA position 5227, G replaced by C.
Protein change: p.Ala1743Pro; replaces alanine 1743 with proline.
Molecular consequence: missense variant.
Genome position (GRCh38, 1-based): chr17:31,326,211, G>C. VCF-style: chr17-31326211-G-C. GRCh37 (hg19) VCF-style: chr17-29653229-G-C.
Other names: c.5164G>C, p.Ala1722Pro (NM_000267.4); short protein forms A1722P, A1743P.
Identifiers: ClinVar variation 237573 (VCV000237573.12), dbSNP rs878853900, ClinGen allele CA10583510.